The following is an entry in ClinVar:

ClinVar aggregate classification (germline): Likely benign (1 of 4 stars; one submission).

Allele frequency attached by ClinVar (database versions not stated): ExAC 0.00168; 1000 Genomes Project 30x 0.00203; 1000 Genomes Project 0.00220; ESP Exome Variant Server 0.00329; gnomAD exomes 0.00047; gnomAD 0.00340; TOPMed 0.00410.
gnomAD v4.1: 660 of 457,930 alleles (0.14%); highest among the groups gnomAD compares: African/African-American, 1.1%; 3 homozygotes.

Submission:

CeGaT Center for Human Genetics Tuebingen
Classification: Likely benign. Last evaluated: 2026-08-01. Review status: criteria provided, single submitter. Criteria: CeGaT Center For Human Genetics Tuebingen Variant Classification Criteria Version 2. Collection method: clinical testing. Allele origin: germline. Affected: yes. Observed: 3 variant alleles.
Comment: C8orf17: BS1

NM_001160372.4(TRAPPC9):c.2811-22080T>A

Genes: C8orf17 (chromosome 8 putative open reading frame 17; plus strand), TRAPPC9 (trafficking protein particle complex subunit 9; minus strand). Cytogenetic location: 8q24.3.
Variant type: single nucleotide variant.
Coding change: c.2811-22080T>A on transcript NM_001160372.4 (MANE Select); 22080 bases into the intron before coding-DNA position 2811, T replaced by A.
Molecular consequence: intron variant. On other transcripts: non-coding transcript variant (1).
Genome position (GRCh38, 1-based): chr8:139,932,380, A>T on the plus strand (T>A on the coding strand, the complement: TRAPPC9 is on the minus strand). VCF-style: chr8-139932380-A-T. GRCh37 (hg19) VCF-style: chr8-140944624-A-T.
Other names: c.2811-22080T>A (NM_031466.8); c.2784-22080T>A (NM_001321646.2); c.2667-22080T>A (NM_001374684.1); c.2700-22080T>A (NM_001374683.1); c.2832-22080T>A (NM_001374682.1).
Identifiers: ClinVar variation 3025066 (VCV003025066.22), dbSNP rs188131134, ClinGen allele CA4892939.